The following is an entry in ClinVar:

ClinVar aggregate classification (germline): Conflicting classifications of pathogenicity. Review status: criteria provided, conflicting classifications (1 of 4 stars). 17 submissions from 17 submitters: Uncertain significance (3); Benign (2); Likely benign (8). 4 of the submissions do not count toward it. Last evaluated 2026-01-21.

Conditions:
Hereditary nonpolyposis colorectal neoplasms. Identifiers: MedGen C0009405, MeSH D003123.
MSH6-related disorder. Also called: MSH6-related condition; MSH6-Related disorders.
Hereditary cancer. Identifiers: MedGen C1333600.
Hereditary cancer-predisposing syndrome. Also called: Tumor predisposition; Hereditary neoplastic syndrome; Neoplastic Syndromes, Hereditary; Hereditary Cancer Syndrome. Identifiers: Orphanet 140162, MedGen C0027672, MeSH D009386, MONDO:0015356.
Lynch syndrome 5 (LYNCH5). Also called: Hereditary non-polyposis colorectal cancer, type 5; Colorectal cancer, hereditary nonpolyposis, type 5. Identifiers: Orphanet 144, MedGen C1833477, MONDO:0013710, OMIM 614350. Disease mechanism: loss of function.

Allele frequency attached by ClinVar (database versions not stated): gnomAD exomes 0.00004 and 0.00010; ExAC 0.00008; 1000 Genomes Project 30x 0.00016; 1000 Genomes Project 0.00020; ESP Exome Variant Server 0.00031; gnomAD 0.00043 and 0.00048; TOPMed 0.00059.
gnomAD v4.1: 126 of 1,614,196 alleles (0.0078%); highest among the groups gnomAD compares: African/African-American, 0.15%; no homozygotes.

Submissions (17):

Labcorp Genetics (formerly Invitae), Labcorp
Classification: Likely benign for Hereditary nonpolyposis colorectal neoplasms. Last evaluated: 2026-01-21. Review status: criteria provided, single submitter. Criteria: Invitae Variant Classification Sherloc (09022015). Collection method: clinical testing. Allele origin: germline.

Quest Diagnostics Nichols Institute San Juan Capistrano
Classification: Likely benign. Last evaluated: 2024-12-02. Review status: criteria provided, single submitter. Criteria: Quest Diagnostics criteria. Collection method: clinical testing. Allele origin: unknown.

Women's Health and Genetics/Laboratory Corporation of America, LabCorp
Classification: Likely benign. Last evaluated: 2024-03-18. Review status: criteria provided, single submitter. Criteria: LabCorp Variant Classification Summary - May 2015. Collection method: clinical testing. Allele origin: germline.
Comment: Variant summary: MSH6 c.2667G>T (p.Gln889His) results in a non-conservative amino acid change located in the DNA mismatch repair protein MutS, core domain (IPR007696) of the encoded protein sequence. Three of five in-silico tools predict a benign effect of the variant on protein function. The variant allele was found at a frequency of 0.0001 in 251964 control chromosomes, predominantly at a frequency of 0.0016 within the African or African-American subpopulation in the gnomAD database. The observed variant frequency within African or African-American control individuals in the gnomAD database is approximately 11.26 fold of the estimated maximal expected allele frequency for a pathogenic variant in MSH6 causing Hereditary Nonpolyposis Colorectal Cancer phenotype (0.00014), strongly suggesting that the variant is a benign polymorphism found primarily in populations of African or African-American origin. c.2667G>T has been reported in the literature in two African-American individuals, one affected with breast cancer (Rummel_2017) and one with pancreatic cancer (Shindo_2017). The variant has also been reported in other individuals with breast cancer, without strong evidence of causality (Guindalini_2022). These report(s) do not provide unequivocal conclusions about association of the variant with Hereditary Nonpolyposis Colorectal Cancer. To our knowledge, no experimental evidence demonstrating an impact on protein function has been reported. The following publications have been ascertained in the context of this evaluation (PMID: 22703879, 23621914, 28503720, 28767289, 33471991, 35264596). ClinVar contains an entry for this variant (Variation ID: 41591). Based on the evidence outlined above, the variant was classified as likely benign.

Mendelics
Classification: Likely benign for Hereditary cancer. Last evaluated: 2024-01-23. Review status: criteria provided, single submitter. Criteria: ACMG Guidelines, 2015. Collection method: clinical testing. Allele origin: unknown.

Institute for Biomarker Research, Medical Diagnostic Laboratories, L.L.C.
Classification: Benign for Hereditary cancer-predisposing syndrome. Last evaluated: 2023-10-03. Review status: criteria provided, single submitter. Criteria: ACMG Guidelines, 2015. Collection method: clinical testing. Allele origin: germline.

Myriad Genetics, Inc.
Classification: Benign for Lynch syndrome 5. Last evaluated: 2023-03-30. Review status: criteria provided, single submitter. Criteria: Myriad Autosomal Dominant, Autosomal Recessive and X-Linked Classification Criteria (2023). Collection method: clinical testing. Allele origin: unknown.
Comment: This variant is considered benign. This variant is strongly associated with less severe personal and family histories of cancer, typical for individuals without pathogenic variants in this gene [PMID: 25085752]. This variant has been observed in conjunction with multiple pathogenic variants, reducing the likelihood this variant itself is pathogenic.

Sema4
Classification: Uncertain significance for Hereditary cancer-predisposing syndrome. Last evaluated: 2021-12-16. Review status: criteria provided, single submitter. Criteria: Sema4 Curation Guidelines. Collection method: curation. Allele origin: germline.
Comment: The MSH6 c.2667G>T (p.Q889H) variant has been reported in individuals with pancreatic, breast, and colorectal cancer (PMID: 32659497, 28767289, 28503720, 26689913, 29212164). This variant has also been reported in 0/60466 breast cancer cases and 3/53461 healthy controls by a large case-control study (PMID: 33471991). It was observed in 36/24824 chromosomes of the African/African American subpopulation, including no homozygotes, in the large and broad cohorts of the Genome Aggregation Database (PMID: 32461654). This variant has been reported in ClinVar (Variation ID 41591). Functional studies have not been performed, and in silico predictions of the variant's effect on protein function are inconclusive. The evidence is insufficient to meet ACMG/AMP criteria for classifying the variant as benign or pathogenic. Thus, the clinical significance of this variant is currently uncertain.

Ambry Genetics
Classification: Likely benign for Hereditary cancer-predisposing syndrome. Last evaluated: 2021-10-26. Review status: criteria provided, single submitter. Criteria: Ambry Variant Classification Scheme 2023. Collection method: clinical testing. Allele origin: germline.

St. Jude Molecular Pathology, St. Jude Children's Research Hospital
Classification: Uncertain significance for Lynch syndrome 5. Last evaluated: 2021-07-22. Review status: criteria provided, single submitter. Criteria: St. Jude Assertion Criteria 2020. Collection method: clinical testing. Allele origin: germline.
Comment: The MSH6 c.2667G>T (p.Gln889His) missense change has a maximum subpopulation frequency of 0.15% in gnomAD v2.1.1. In silico tools are not in agreement about the effect of this variant on protein function, but to our knowledge these predictions have not been confirmed by functional assays. In summary, this variant meets criteria to be classified as of uncertain significance based on the ACMG/AMP criteria: no criteria met.

GeneDx
Classification: Likely benign. Last evaluated: 2021-01-22. Review status: criteria provided, single submitter. Criteria: GeneDx Variant Classification Process June 2021. Collection method: clinical testing. Allele origin: germline. Affected: yes.
Comment: In silico analysis supports that this missense variant has a deleterious effect on protein structure/function; This variant is associated with the following publications: (PMID: 26689913, 27060149, 22703879, 23621914, 28503720, 28767289, 32659497)

Color Diagnostics, LLC DBA Color Health
Classification: Likely benign for Hereditary cancer-predisposing syndrome. Last evaluated: 2020-12-22. Review status: criteria provided, single submitter. Criteria: ACMG Guidelines, 2015. Collection method: clinical testing. Allele origin: germline.

Blueprint Genetics
Classification: Likely benign. Last evaluated: 2020-10-01. Review status: criteria provided, single submitter. Criteria: ACMG Guidelines, 2015. Collection method: clinical testing. Allele origin: germline.

Genetic Services Laboratory, University of Chicago
Classification: Uncertain significance. Last evaluated: 2017-01-12. Review status: criteria provided, single submitter. Criteria: ACMG Guidelines, 2015. Collection method: clinical testing. Allele origin: germline. Affected: no.

PreventionGenetics, part of Exact Sciences
Classification: Likely benign for MSH6-related condition. Last evaluated: 2024-09-27. Review status: no assertion criteria provided. Collection method: clinical testing. Allele origin: germline. Not counted in ClinVar's aggregate classification.
Comment: This variant is classified as likely benign based on ACMG/AMP sequence variant interpretation guidelines (Richards et al. 2015 PMID: 25741868, with internal and published modifications).

Counsyl
Classification: Uncertain significance for Lynch syndrome 5. Last evaluated: 2016-04-14. Review status: no assertion criteria provided. Collection method: clinical testing. Allele origin: unknown. Not counted in ClinVar's aggregate classification.

Biesecker Lab/Clinical Genomics Section, National Institutes of Health
Classification: Uncertain significance. Last evaluated: 2012-07-13. Review status: no assertion criteria provided. Collection method: research. Allele origin: germline. Affected: no. Observed: 1 variant allele. Study: ClinSeq. Not counted in ClinVar's aggregate classification.
ClinVar note: Converted during submission from variant of unknown significance to Uncertain significance.

Department of Pathology and Laboratory Medicine, Sinai Health System
Classification: Uncertain significance. Review status: no assertion criteria provided. Collection method: clinical testing. Allele origin: unknown. Affected: yes. Observed: 1 variant allele. Study: The Canadian Open Genetics Repository (COGR). Not counted in ClinVar's aggregate classification.
Comment: The MSH6 p.Gln889His variant was identified in 3 of 12170 proband chromosomes (frequency: 0.0003) from individuals or families with atherosclerosis or breast cancer (Johnston 2012, Lu 2015, Rummel 2017). The variant was also identified in dbSNP (ID: rs149945495) as "With Uncertain significance allele", ClinVar (classified as uncertain significance by Invitae, GeneDx, Ambry Genetics and six other submitters), and in MutDB, databases. The variant was not identified in COGR, Cosmic, UMD-LSDB, Zhejiang University Database, Mismatch Repair Genes Variant Database, or Insight Hereditary Tumors, databases. The variant was identified in control databases in 36 of 276358 chromosomes at a frequency of 0.0001 increasing the likelihood this could be a low frequency benign variant (Genome Aggregation Database Feb 27, 2017). The variant was observed in the following populations: African in 35 of 23982 chromosomes (freq: 0.002), Other in 1 of 6448 chromosomes (freq: 0.0002), while the variant was not observed in the Latino, European, Ashkenazi Jewish, East Asian, Finnish, and South Asian populations. The p.Gln889 residue is conserved in mammals and computational analyses (PolyPhen-2, SIFT, AlignGVGD, BLOSUM, MutationTaster) provide inconsistent predictions regarding the impact to the protein; this information is not very predictive of pathogenicity. The variant occurs outside of the splicing consensus sequence and 3 of 4 in silico or computational prediction software programs (SpliceSiteFinder, MaxEntScan, NNSPLICE, GeneSplicer) predict a greater than 10% difference in splicing. However, this information is not predictive enough to assume pathogenicity. In summary, based on the above information the clinical significance of this variant cannot be determined with certainty at this time. This variant is classified as a variant of uncertain significance.

Literature cited by the submitters: PubMed 28767289 (cited by 4 submitters); PubMed 28503720 (cited by 4 submitters); PubMed 27600092 (cited by Quest Diagnostics Nichols Institute San Juan Capistrano); PubMed 37222195 (cited by Quest Diagnostics Nichols Institute San Juan Capistrano); PubMed 23621914 (cited by 3 submitters); PubMed 22949387 (cited by Quest Diagnostics Nichols Institute San Juan Capistrano); PubMed 33471991 (cited by 4 submitters); PubMed 32659497 (cited by Quest Diagnostics Nichols Institute San Juan Capistrano and Sema4); PubMed 26689913 (cited by 3 submitters); PubMed 35264596 (cited by Quest Diagnostics Nichols Institute San Juan Capistrano and Women's Health and Genetics/Laboratory Corporation of America, LabCorp); PubMed 25085752 (cited by Myriad Genetics, Inc.); PubMed 29212164 (cited by Sema4).

NM_000179.3(MSH6):c.2667G>T (p.Gln889His)

Gene: MSH6 (mutS homolog 6; plus strand). Cytogenetic location: 2p16.3.
Variant type: single nucleotide variant.
Coding change: c.2667G>T on transcript NM_000179.3 (MANE Select); coding-DNA position 2667, G replaced by T.
Protein change: p.Gln889His; replaces glutamine 889 with histidine.
Molecular consequence: missense variant.
Genome position (GRCh38, 1-based): chr2:47,800,650, G>T. VCF-style: chr2-47800650-G-T. GRCh37 (hg19) VCF-style: chr2-48027789-G-T.
Other names: p.Q889H:CAG>CAT; c.2277G>T, p.Gln759His (NM_001281492.2); c.1761G>T, p.Gln587His (NM_001281493.2, NM_001281494.2); short protein forms Q889H, Q587H, Q759H.
Identifiers: ClinVar variation 41591 (VCV000041591.45), dbSNP rs149945495, ClinGen allele CA010704.